The following is an entry in ClinVar:

NM_000283.4(PDE6B):c.1620G>A (p.Leu540=)

Gene: PDE6B (phosphodiesterase 6B; plus strand). Cytogenetic location: 4p16.3.
Variant type: single nucleotide variant.
Coding change: c.1620G>A on transcript NM_000283.4 (MANE Select); coding-DNA position 1620, G replaced by A.
Protein change: p.Leu540=; no amino-acid change (leucine 540 retained).
Molecular consequence: synonymous variant.
Genome position (GRCh38, 1-based): chr4:662,139, G>A. VCF-style: chr4-662139-G-A. GRCh37 (hg19) VCF-style: chr4-655928-G-A.
Other names: c.1620G>A, p.Leu540= (NM_001145291.2); c.783G>A, p.Leu261= (NM_001145292.2, NM_001350154.3, NM_001379246.1 and 1 more transcripts); c.465G>A, p.Leu155= (NM_001350155.3).
Identifiers: ClinVar variation 2868648 (VCV002868648.3), dbSNP rs1345784254, ClinGen allele CA438053426.

ClinVar aggregate classification (germline): Uncertain significance (1 of 4 stars; one submission).

Allele frequency attached by ClinVar (database versions not stated): TOPMed 0.00001.
gnomAD v4.1: 4 of 1,544,542 alleles (0.00026%); highest among the groups gnomAD compares: Non-Finnish European, 0.00035%; no homozygotes.

Submission:

Labcorp Genetics (formerly Invitae), Labcorp
Classification: Uncertain significance. Last evaluated: 2022-11-26. Review status: criteria provided, single submitter. Criteria: Invitae Variant Classification Sherloc (09022015). Collection method: clinical testing. Allele origin: germline.
Comment: In summary, the available evidence is currently insufficient to determine the role of this variant in disease. Therefore, it has been classified as a Variant of Uncertain Significance. Algorithms developed to predict the effect of sequence changes on RNA splicing suggest that this variant may create or strengthen a splice site. This variant has not been reported in the literature in individuals affected with PDE6B-related conditions. The frequency data for this variant in the population databases is considered unreliable, as metrics indicate poor data quality at this position in the gnomAD database. This sequence change affects codon 540 of the PDE6B mRNA. It is a 'silent' change, meaning that it does not change the encoded amino acid sequence of the PDE6B protein.